The following is an entry in ClinVar:

ClinVar aggregate classification (germline): Conflicting classifications of pathogenicity. Review status: criteria provided, conflicting classifications (1 of 4 stars). 3 submissions from 3 submitters: Uncertain significance (2); Likely benign (1). Last evaluated 2025-06-08.

Conditions:
Hereditary cancer-predisposing syndrome. Also called: Hereditary neoplastic syndrome; Tumor predisposition; Neoplastic Syndromes, Hereditary; Hereditary Cancer Syndrome. Identifiers: Orphanet 140162, MedGen C0027672, MeSH D009386, MONDO:0015356.

Allele frequency attached by ClinVar (database versions not stated): gnomAD exomes below 0.00001; TOPMed below 0.00001.
gnomAD v4.1: 2 of 1,611,950 alleles (0.00012%); highest among the groups gnomAD compares: East Asian, 0.0022%; no homozygotes.

Submissions (3):

Labcorp Genetics (formerly Invitae), Labcorp
Classification: Uncertain significance. Last evaluated: 2025-06-08. Review status: criteria provided, single submitter. Criteria: Invitae Variant Classification Sherloc (09022015). Collection method: clinical testing. Allele origin: germline.
Comment: This sequence change replaces leucine, which is neutral and non-polar, with arginine, which is basic and polar, at codon 1536 of the POLE protein (p.Leu1536Arg). This variant is not present in population databases (gnomAD no frequency). This variant has not been reported in the literature in individuals affected with POLE-related conditions. ClinVar contains an entry for this variant (Variation ID: 655528). Invitae Evidence Modeling of protein sequence and biophysical properties (such as structural, functional, and spatial information, amino acid conservation, physicochemical variation, residue mobility, and thermodynamic stability) indicates that this missense variant is not expected to disrupt POLE protein function with a negative predictive value of 80%. In summary, the available evidence is currently insufficient to determine the role of this variant in disease. Therefore, it has been classified as a Variant of Uncertain Significance.

Ambry Genetics
Classification: Likely benign for Hereditary cancer-predisposing syndrome. Last evaluated: 2024-12-23. Review status: criteria provided, single submitter. Criteria: Ambry Variant Classification Scheme 2023. Collection method: clinical testing. Allele origin: germline.

GeneDx
Classification: Uncertain significance. Last evaluated: 2023-12-17. Review status: criteria provided, single submitter. Criteria: GeneDx Variant Classification Process June 2021. Collection method: clinical testing. Allele origin: germline. Affected: yes.
Comment: Not observed at significant frequency in large population cohorts (gnomAD); In silico analysis supports that this missense variant does not alter protein structure/function; Has not been previously published as pathogenic or benign to our knowledge

NM_006231.4(POLE):c.4607T>G (p.Leu1536Arg)

Gene: POLE (DNA polymerase epsilon, catalytic subunit; minus strand). Cytogenetic location: 12q24.33.
Variant type: single nucleotide variant.
Coding change: c.4607T>G on transcript NM_006231.4 (MANE Select); coding-DNA position 4607, T replaced by G.
Protein change: p.Leu1536Arg; replaces leucine 1536 with arginine.
Molecular consequence: missense variant.
Genome position (GRCh38, 1-based): chr12:132,642,941, A>C on the plus strand (T>G on the coding strand, the complement: POLE is on the minus strand). VCF-style: chr12-132642941-A-C. GRCh37 (hg19) VCF-style: chr12-133219527-A-C.
Other names: short protein forms L1536R.
Identifiers: ClinVar variation 655528 (VCV000655528.15), dbSNP rs1227353804, ClinGen allele CA387379183.
Genomic context (GRCh38, chr12:132,642,941, plus strand): 5'-CGAACTTCGAAGGTGTGTTTGGGGGGTGGCAGGAGCTCAGGGCCCACCTTCTCCAGGAGG[A>C]GGCCGTGCTCTGCTGAGTACAGGGCGCCAAGGCTGGGCATCTGGTTGCTGCGCACCTAGA-3'
Protein context (NP_006222.2, residues 1526-1546): LGALYSAEHG[Leu1536Arg]LLEKVGPELL